The following is an entry in ClinVar:

NM_015122.3(FCHO1):c.33G>T (p.Glu11Asp)

Gene: FCHO1 (FCH and mu domain containing endocytic adaptor 1; plus strand). Cytogenetic location: 19p13.11.
Variant type: single nucleotide variant.
Coding change: c.33G>T on transcript NM_015122.3 (MANE Select); coding-DNA position 33, G replaced by T.
Protein change: p.Glu11Asp; replaces glutamic acid 11 with aspartic acid.
Molecular consequence: missense variant. On other transcripts: 5 prime UTR variant (6), non-coding transcript variant (36).
Genome position (GRCh38, 1-based): chr19:17,762,767, G>T. VCF-style: chr19-17762767-G-T. GRCh37 (hg19) VCF-style: chr19-17873576-G-T.
Other names: c.33G>T, p.Glu11Asp (NM_001384377.1, NM_001384378.1, NM_001384379.1 and 30 more transcripts); c.-118G>T (NM_001384384.1, NM_001384385.1, NM_001384406.1 and 3 more transcripts); short protein forms E11D.
Identifiers: ClinVar variation 2802306 (VCV002802306.3), dbSNP rs2513190965, ClinGen allele CA404747692.

ClinVar aggregate classification (germline): Uncertain significance (1 of 4 stars; one submission).

Submission:

Labcorp Genetics (formerly Invitae), Labcorp
Classification: Uncertain significance. Last evaluated: 2025-11-03. Review status: criteria provided, single submitter. Criteria: Invitae Variant Classification Sherloc (09022015). Collection method: clinical testing. Allele origin: germline.
Comment: This sequence change replaces glutamic acid, which is acidic and polar, with aspartic acid, which is acidic and polar, at codon 11 of the FCHO1 protein (p.Glu11Asp). This variant is not present in population databases (gnomAD no frequency). This variant has not been reported in the literature in individuals affected with FCHO1-related conditions. ClinVar contains an entry for this variant (Variation ID: 2802306). An algorithm developed to predict the effect of missense changes on protein structure and function outputs the following: PolyPhen-2: "Benign". The aspartic acid amino acid residue is found in multiple mammalian species, which suggests that this missense change does not adversely affect protein function. In summary, the available evidence is currently insufficient to determine the role of this variant in disease. Therefore, it has been classified as a Variant of Uncertain Significance.